The following is an entry in ClinVar:

ClinVar aggregate classification (germline): Uncertain significance (1 of 4 stars; one submission).

Conditions:
T-cell immunodeficiency, congenital alopecia, and nail dystrophy. Also called: Congenital alopecia and nail dystrophy associated with severe functional T-cell immunodeficiency; Pignata Guarino syndrome. Identifiers: Orphanet 169095, MedGen C1866426, MONDO:0011132, OMIM 601705.

Submission:

Labcorp Genetics (formerly Invitae), Labcorp
Classification: Uncertain significance for T-cell immunodeficiency, congenital alopecia, and nail dystrophy. Last evaluated: 2025-10-14. Review status: criteria provided, single submitter. Criteria: Invitae Variant Classification Sherloc (09022015). Collection method: clinical testing. Allele origin: germline.
Comment: This sequence change replaces tyrosine, which is neutral and polar, with cysteine, which is neutral and slightly polar, at codon 186 of the FOXN1 protein (p.Tyr186Cys). This variant is not present in population databases (gnomAD no frequency). This variant has not been reported in the literature in individuals affected with FOXN1-related conditions. Invitae Evidence Modeling of protein sequence and biophysical properties (such as structural, functional, and spatial information, amino acid conservation, physicochemical variation, residue mobility, and thermodynamic stability) indicates that this missense variant is not expected to disrupt FOXN1 protein function with a negative predictive value of 80%. In summary, the available evidence is currently insufficient to determine the role of this variant in disease. Therefore, it has been classified as a Variant of Uncertain Significance.

NM_001369369.1(FOXN1):c.557A>G (p.Tyr186Cys)

Gene: FOXN1 (forkhead box N1; plus strand). Cytogenetic location: 17q11.2.
Variant type: single nucleotide variant.
Coding change: c.557A>G on transcript NM_001369369.1 (MANE Select); coding-DNA position 557, A replaced by G.
Protein change: p.Tyr186Cys; replaces tyrosine 186 with cysteine.
Molecular consequence: missense variant.
Genome position (GRCh38, 1-based): chr17:28,524,936, A>G. VCF-style: chr17-28524936-A-G. GRCh37 (hg19) VCF-style: chr17-26851954-A-G.
Other names: c.557A>G, p.Tyr186Cys (NM_003593.3); short protein forms Y186C.
Identifiers: ClinVar variation 4768080 (VCV004768080.1).